The following is an entry in ClinVar:

NM_020533.3(MCOLN1):c.141C>G (p.Tyr47Ter)

Gene: MCOLN1 (mucolipin TRP cation channel 1; plus strand). Cytogenetic location: 19p13.2.
Variant type: single nucleotide variant.
Coding change: c.141C>G on transcript NM_020533.3 (MANE Select); coding-DNA position 141, C replaced by G.
Protein change: p.Tyr47Ter; replaces tyrosine 47 with a stop codon.
Molecular consequence: nonsense.
Genome position (GRCh38, 1-based): chr19:7,525,070, C>G. VCF-style: chr19-7525070-C-G. GRCh37 (hg19) VCF-style: chr19-7589956-C-G.
Other names: c.141C>G (NM_020533.2); short protein forms Y47*.
Identifiers: ClinVar variation 1724043 (VCV001724043.4), dbSNP rs2512468209, ClinGen allele CA403152712.

ClinVar aggregate classification (germline): Likely pathogenic. Review status: criteria provided, multiple submitters, no conflicts (2 of 4 stars). 2 submissions from 2 submitters: Likely pathogenic (2). Last evaluated 2025-04-15.

Conditions:
Mucolipidosis type IV (ML4). Also called: ML IV. Identifiers: Orphanet 578, MedGen C0238286, MONDO:0009653, OMIM 252650.

Submissions (2):

Natera, Inc.
Classification: Likely pathogenic for Mucolipidosis type IV. Last evaluated: 2025-04-15. Review status: criteria provided, single submitter. Criteria: Natera Variant Classification Schema (03/2026). Collection method: clinical testing. Allele origin: germline.
Comment: The c.141C>G variant in MCOLN1 is a nonsense variant predicted to introduce a stop codon at amino acid 47. This variant is expected to result in nonsense mediated decay, truncation, or a dysfunctional protein product. This variant is rare in the general population with a frequency below the threshold expected for the associated phenotype(s). Given the available evidence, this variant is classified as Likely Pathogenic.

Myriad Genetics, Inc.
Classification: Likely pathogenic for Mucolipidosis type IV. Last evaluated: 2021-11-03. Review status: criteria provided, single submitter. Criteria: Myriad Women's Health Autosomal Recessive and X-Linked Classification Criteria (2021). Collection method: clinical testing. Allele origin: unknown.
Comment: NM_020533.2(MCOLN1):c.141C>G(Y47*) is expected to be pathogenic in the context of mucolipidosis IV. This variant is predicted to lead to an abnormal or absent protein product due to the creation of a premature termination codon in MCOLN1, a gene where loss-of-function variants are known to be pathogenic. Please note: this variant was assessed in the context of healthy population screening.